The following is an entry in ClinVar:

NM_002206.3(ITGA7):c.1610G>A (p.Arg537Gln)

Gene: ITGA7 (integrin subunit alpha 7; minus strand). Cytogenetic location: 12q13.2.
Variant type: single nucleotide variant.
Coding change: c.1610G>A on transcript NM_002206.3 (MANE Select); coding-DNA position 1610, G replaced by A.
Protein change: p.Arg537Gln; replaces arginine 537 with glutamine.
Molecular consequence: missense variant.
Genome position (GRCh38, 1-based): chr12:55,697,026, C>T on the plus strand (G>A on the coding strand, the complement: ITGA7 is on the minus strand). VCF-style: chr12-55697026-C-T. GRCh37 (hg19) VCF-style: chr12-56090810-C-T.
Other names: c.1622G>A, p.Arg541Gln (NM_001144996.2); c.1331G>A, p.Arg444Gln (NM_001144997.2); c.1283G>A, p.Arg428Gln (NM_001367993.1); c.266G>A, p.Arg89Gln (NM_001367994.1); c.1592G>A, p.Arg531Gln (NM_001374465.1); c.1742G>A, p.Arg581Gln (NM_001410977.1); c.1604G>A, p.Arg535Gln (NM_001414029.1); c.1535G>A, p.Arg512Gln (NM_001414030.1); and 5 more; short protein forms R444Q, R537Q, R428Q, R89Q, R541Q, R531Q, R581Q, R424Q.
Identifiers: ClinVar variation 582868 (VCV000582868.12), dbSNP rs752569950, ClinGen allele CA385188467.
Genomic context (GRCh38, chr12:55,697,026, plus strand): 5'-GCCTGGTGCTTGGGTTCTTCCAGGTTACGGCTCAGGAACGTCACACGGGGAACCTGGCCC[C>T]GGAGCCTCCGGTCTGTGTCCGCATCTAACACATAGTCCAGGGCTGTGGCATGTTGGGAAA-3'
Protein context (NP_002197.2, residues 527-547): VLDADTDRRL[Arg537Gln]GQVPRVTFLS

ClinVar aggregate classification (germline): Uncertain significance. Review status: criteria provided, multiple submitters, no conflicts (2 of 4 stars). 3 submissions from 3 submitters: Uncertain significance (3). Last evaluated 2025-06-03.

Conditions:
Congenital muscular dystrophy due to integrin alpha-7 deficiency. Also called: Congenital muscular dystrophy with integrin alpha-7 deficiency; Muscular dystrophy, congenital, due to ITGA7 deficiency; MYOPATHY, CONGENITAL, DUE TO INTEGRIN ALPHA-7 DEFICIENCY. Identifiers: Orphanet 34520, MedGen C2750786, MONDO:0013177, OMIM 613204.

Allele frequency attached by ClinVar (database versions not stated): gnomAD exomes 0.00001; TOPMed 0.00002.

Submissions (3):

Ambry Genetics
Classification: Uncertain significance. Last evaluated: 2025-06-03. Review status: criteria provided, single submitter. Criteria: Ambry Variant Classification Scheme 2023. Collection method: clinical testing. Allele origin: germline.

Labcorp Genetics (formerly Invitae), Labcorp
Classification: Uncertain significance for Congenital muscular dystrophy due to integrin alpha-7 deficiency. Last evaluated: 2023-08-10. Review status: criteria provided, single submitter. Criteria: Invitae Variant Classification Sherloc (09022015). Collection method: clinical testing. Allele origin: germline.
Comment: This variant has not been reported in the literature in individuals affected with ITGA7-related conditions. This variant is present in population databases (no rsID available, gnomAD 0.002%). This sequence change replaces arginine, which is basic and polar, with glutamine, which is neutral and polar, at codon 537 of the ITGA7 protein (p.Arg537Gln). ClinVar contains an entry for this variant (Variation ID: 582868). In summary, the available evidence is currently insufficient to determine the role of this variant in disease. Therefore, it has been classified as a Variant of Uncertain Significance. An algorithm developed to predict the effect of missense changes on protein structure and function (PolyPhen-2) suggests that this variant is likely to be tolerated.

Revvity Omics, Revvity
Classification: Uncertain significance for Congenital muscular dystrophy due to integrin alpha-7 deficiency. Last evaluated: 2019-09-25. Review status: criteria provided, single submitter. Criteria: ACMG Guidelines, 2015. Collection method: clinical testing. Allele origin: germline.